The following is an entry in ClinVar:

ClinVar aggregate classification (germline): Uncertain significance. Review status: criteria provided, multiple submitters, no conflicts (2 of 4 stars). 3 submissions from 3 submitters: Uncertain significance (3). Last evaluated 2024-02-22.

Conditions:
Pheochromocytoma/paraganglioma syndrome 2. Also called: SDHAF2-Related Hereditary Paraganglioma-Pheochromocytoma Syndrome; GLOMUS TUMORS, FAMILIAL, 2; Paragangliomas 2; SDHAF2-Related Hereditary Paraganglioma-Pheochromocytoma Syndrome (Paragangliomas 2). Identifiers: Orphanet 29072, MedGen C1866552, MONDO:0011121, OMIM 601650.
Hereditary pheochromocytoma and paraganglioma. Also called: Hereditary paragangliomas and pheochromocytomas; Hereditary Paraganglioma-Pheochromocytoma Syndromes; Hereditary pheochromocytoma-paraganglioma. Identifiers: Orphanet 29072, MedGen C4274332, MONDO:0017366.
Hereditary cancer-predisposing syndrome. Also called: Tumor predisposition; Hereditary Cancer Syndrome; Hereditary neoplastic syndrome; Neoplastic Syndromes, Hereditary. Identifiers: Orphanet 140162, MedGen C0027672, MeSH D009386, MONDO:0015356.

Submissions (3):

Ambry Genetics
Classification: Uncertain significance for Hereditary cancer-predisposing syndrome. Last evaluated: 2024-02-22. Review status: criteria provided, single submitter. Criteria: Ambry Variant Classification Scheme 2023. Collection method: clinical testing. Allele origin: germline.
Comment: The p.R67G variant (also known as c.199A>G), located in coding exon 2 of the SDHAF2 gene, results from an A to G substitution at nucleotide position 199. The arginine at codon 67 is replaced by glycine, an amino acid with dissimilar properties. This amino acid position is well conserved in available vertebrate species. In addition, this alteration is predicted to be deleterious by in silico analysis. Since supporting evidence is limited at this time, the clinical significance of this alteration remains unclear.

Baylor Genetics
Classification: Uncertain significance for Pheochromocytoma/paraganglioma syndrome 2. Last evaluated: 2023-10-05. Review status: criteria provided, single submitter. Criteria: ACMG Guidelines, 2015. Collection method: clinical testing. Allele origin: unknown.

Labcorp Genetics (formerly Invitae), Labcorp
Classification: Uncertain significance for Hereditary pheochromocytoma and paraganglioma. Last evaluated: 2023-08-20. Review status: criteria provided, single submitter. Criteria: Invitae Variant Classification Sherloc (09022015). Collection method: clinical testing. Allele origin: germline.
Comment: In summary, the available evidence is currently insufficient to determine the role of this variant in disease. Therefore, it has been classified as a Variant of Uncertain Significance. An algorithm developed to predict the effect of missense changes on protein structure and function (PolyPhen-2) suggests that this variant is likely to be disruptive. ClinVar contains an entry for this variant (Variation ID: 1513788). This variant has not been reported in the literature in individuals affected with SDHAF2-related conditions. This variant is not present in population databases (gnomAD no frequency). This sequence change replaces arginine, which is basic and polar, with glycine, which is neutral and non-polar, at codon 67 of the SDHAF2 protein (p.Arg67Gly).

NM_017841.4(SDHAF2):c.199A>G (p.Arg67Gly)

Gene: SDHAF2 (succinate dehydrogenase complex assembly factor 2; plus strand). Cytogenetic location: 11q12.2.
Variant type: single nucleotide variant.
Coding change: c.199A>G on transcript NM_017841.4 (MANE Select); coding-DNA position 199, A replaced by G.
Protein change: p.Arg67Gly; replaces arginine 67 with glycine.
Molecular consequence: missense variant.
Genome position (GRCh38, 1-based): chr11:61,437,787, A>G. VCF-style: chr11-61437787-A-G. GRCh37 (hg19) VCF-style: chr11-61205259-A-G.
Other names: short protein forms R67G.
Identifiers: ClinVar variation 1513788 (VCV001513788.8), dbSNP rs1862011610, ClinGen allele CA380683597.